The following is an entry in ClinVar:

NM_001385641.1(SAMD11):c.780C>T (p.Ile260=)

Gene: SAMD11 (sterile alpha motif domain containing 11; plus strand). Cytogenetic location: 1p36.33.
Variant type: single nucleotide variant.
Coding change: c.780C>T on transcript NM_001385641.1 (MANE Select); coding-DNA position 780, C replaced by T.
Protein change: p.Ile260=; no amino-acid change (isoleucine 260 retained).
Molecular consequence: synonymous variant.
Genome position (GRCh38, 1-based): chr1:930,325, C>T. VCF-style: chr1-930325-C-T. GRCh37 (hg19) VCF-style: chr1-865705-C-T.
Other names: c.780C>T, p.Ile260= (NM_001385640.1); c.243C>T, p.Ile81= (NM_152486.4); c.243C>T (NM_152486.2).
Identifiers: ClinVar variation 1168187 (VCV001168187.12), dbSNP rs146331776, ClinGen allele CA502466.
Genomic context (GRCh38, chr1:930,325, plus strand): 5'-TGGCCCCACCTGTGGGCGGCGGCCAGGCTTGAAGCAGGAGGATGGTCCGCACATCCGTAT[C>T]ATGAAGAGAAGGTACTTGGACCAGGGCCGGACAGGAAGGCGCAAGGCTCAGATGGGGCTG-3'
Protein context (NP_001372570.1, residues 250-270): LKQEDGPHIR[Ile260=]MKRRVHTHWD

ClinVar aggregate classification (germline): Benign/Likely benign. Review status: criteria provided, multiple submitters, no conflicts (2 of 4 stars). 3 submissions from 3 submitters: Benign (1); Likely benign (1). 1 of the submissions does not count toward it. Last evaluated 2025-11-27.

Conditions:
SAMD11-related disorder. Also called: SAMD11-related condition.

Allele frequency attached by ClinVar (database versions not stated): gnomAD exomes 0.00021 and 0.00050; ExAC 0.00092; ESP Exome Variant Server 0.00169; gnomAD 0.00195 and 0.00214; TOPMed 0.00242; 1000 Genomes Project 30x 0.00297; 1000 Genomes Project 0.00300.
gnomAD v4.1: 618 of 1,604,140 alleles (0.039%); highest among the groups gnomAD compares: African/African-American, 0.72%; 1 homozygote.

Submissions (3):

Labcorp Genetics (formerly Invitae), Labcorp
Classification: Benign. Last evaluated: 2025-11-27. Review status: criteria provided, single submitter. Criteria: Invitae Variant Classification Sherloc (09022015). Collection method: clinical testing. Allele origin: germline.

Blueprint Genetics
Classification: Likely benign. Last evaluated: 2024-10-10. Review status: criteria provided, single submitter. Criteria: ACMG Guidelines, 2015. Collection method: clinical testing. Allele origin: germline.

PreventionGenetics, part of Exact Sciences
Classification: Benign for SAMD11-related condition. Last evaluated: 2019-10-28. Review status: no assertion criteria provided. Collection method: clinical testing. Allele origin: germline. Not counted in ClinVar's aggregate classification.
Comment: This variant is classified as benign based on ACMG/AMP sequence variant interpretation guidelines (Richards et al. 2015 PMID: 25741868, with internal and published modifications).